The following is an entry in ClinVar:

ClinVar aggregate classification (germline): Likely benign. Review status: criteria provided, single submitter (1 of 4 stars). 2 submissions from 2 submitters: Likely benign (1). 1 of the submissions does not count toward it. Last evaluated 2025-10-01.

Conditions:
CIC-related disorder. Also called: CIC-related condition.

Allele frequency attached by ClinVar (database versions not stated): 1000 Genomes Project 0.00060; 1000 Genomes Project 30x 0.00062; TOPMed 0.00066; gnomAD 0.00071; gnomAD exomes 0.00077.
gnomAD v4.1: 299 of 398,920 alleles (0.075%); highest among the groups gnomAD compares: Non-Finnish European, 0.11%; no homozygotes.

Submissions (2):

CeGaT Center for Human Genetics Tuebingen
Classification: Likely benign. Last evaluated: 2025-10-01. Review status: criteria provided, single submitter. Criteria: CeGaT Center For Human Genetics Tuebingen Variant Classification Criteria Version 2. Collection method: clinical testing. Allele origin: germline. Affected: yes. Observed: 5 variant alleles.
Comment: CIC: BP4, BS1

PreventionGenetics, part of Exact Sciences
Classification: Likely benign for CIC-related condition. Last evaluated: 2019-10-29. Review status: no assertion criteria provided. Collection method: clinical testing. Allele origin: germline. Not counted in ClinVar's aggregate classification.
Comment: This variant is classified as likely benign based on ACMG/AMP sequence variant interpretation guidelines (Richards et al. 2015 PMID: 25741868, with internal and published modifications).

NM_001386298.1(CIC):c.2691C>T (p.Ala897=)

Gene: CIC (capicua transcriptional repressor; plus strand). Cytogenetic location: 19q13.2.
Variant type: single nucleotide variant.
Coding change: c.2691C>T on transcript NM_001386298.1 (MANE Select); coding-DNA position 2691, C replaced by T.
Protein change: p.Ala897=; no amino-acid change (alanine 897 retained).
Molecular consequence: synonymous variant.
Genome position (GRCh38, 1-based): chr19:42,274,474, C>T. VCF-style: chr19-42274474-C-T. GRCh37 (hg19) VCF-style: chr19-42778626-C-T.
Other names: c.2691C>T, p.Ala897= (NM_001379483.1, NM_001304815.2, NM_001379480.1 and 1 more transcripts).
Identifiers: ClinVar variation 2649971 (VCV002649971.25), dbSNP rs542986003, ClinGen allele CA9471582.